The following is an entry in ClinVar:

NM_031935.3(HMCN1):c.965G>T (p.Gly322Val)

Gene: HMCN1 (hemicentin 1; plus strand). Cytogenetic location: 1q31.1.
Variant type: single nucleotide variant.
Coding change: c.965G>T on transcript NM_031935.3 (MANE Select); coding-DNA position 965, G replaced by T.
Protein change: p.Gly322Val; replaces glycine 322 with valine.
Molecular consequence: missense variant.
Genome position (GRCh38, 1-based): chr1:185,922,443, G>T. VCF-style: chr1-185922443-G-T. GRCh37 (hg19) VCF-style: chr1-185891575-G-T.
Other names: short protein forms G322V.
Identifiers: ClinVar variation 3106250 (VCV003106250.3), dbSNP rs752613366, ClinGen allele CA1290998.

ClinVar aggregate classification (germline): Uncertain significance. Review status: criteria provided, multiple submitters, no conflicts (2 of 4 stars). 2 submissions from 2 submitters: Uncertain significance (2). Last evaluated 2024-04-25.

Allele frequency attached by ClinVar (database versions not stated): ExAC 0.00001.
gnomAD v4.1: 12 of 1,613,600 alleles (0.00074%); highest among the groups gnomAD compares: Non-Finnish European, 0.001%; no homozygotes.

Submissions (2):

Labcorp Genetics (formerly Invitae), Labcorp
Classification: Uncertain significance. Last evaluated: 2024-04-25. Review status: criteria provided, single submitter. Criteria: Invitae Variant Classification Sherloc (09022015). Collection method: clinical testing. Allele origin: germline.
Comment: This sequence change replaces glycine, which is neutral and non-polar, with valine, which is neutral and non-polar, at codon 322 of the HMCN1 protein (p.Gly322Val). This variant is present in population databases (rs752613366, gnomAD 0.0009%). This variant has not been reported in the literature in individuals affected with HMCN1-related conditions. An algorithm developed to predict the effect of missense changes on protein structure and function (PolyPhen-2) suggests that this variant is likely to be disruptive. In summary, the available evidence is currently insufficient to determine the role of this variant in disease. Therefore, it has been classified as a Variant of Uncertain Significance.

Ambry Genetics
Classification: Uncertain significance. Last evaluated: 2024-03-04. Review status: criteria provided, single submitter. Criteria: Ambry Variant Classification Scheme 2023. Collection method: clinical testing. Allele origin: germline.